The following is an entry in ClinVar:

NM_002497.4(NEK2):c.1127C>T (p.Pro376Leu)

Gene: NEK2 (NIMA related kinase 2; minus strand). Cytogenetic location: 1q32.3.
Variant type: single nucleotide variant.
Coding change: c.1127C>T on transcript NM_002497.4 (MANE Select); coding-DNA position 1127, C replaced by T.
Protein change: p.Pro376Leu; replaces proline 376 with leucine.
Molecular consequence: missense variant. On other transcripts: intron variant (1).
Genome position (GRCh38, 1-based): chr1:211,663,637, G>A on the plus strand (C>T on the coding strand, the complement: NEK2 is on the minus strand). VCF-style: chr1-211663637-G-A. GRCh37 (hg19) VCF-style: chr1-211836979-G-A.
Other names: c.1111+3469C>T (NM_001204182.2); short protein forms P376L.
Identifiers: ClinVar variation 1517843 (VCV001517843.8), dbSNP rs1297455567, ClinGen allele CA344774090.

ClinVar aggregate classification (germline): Uncertain significance (1 of 4 stars; one submission).

Allele frequency attached by ClinVar (database versions not stated): gnomAD exomes below 0.00001 and 0.00001; TOPMed 0.00001.

Submission:

Labcorp Genetics (formerly Invitae), Labcorp
Classification: Uncertain significance. Last evaluated: 2024-08-30. Review status: criteria provided, single submitter. Criteria: Invitae Variant Classification Sherloc (09022015). Collection method: clinical testing. Allele origin: germline.
Comment: This sequence change replaces proline, which is neutral and non-polar, with leucine, which is neutral and non-polar, at codon 376 of the NEK2 protein (p.Pro376Leu). This variant is present in population databases (no rsID available, gnomAD 0.006%). This variant has not been reported in the literature in individuals affected with NEK2-related conditions. ClinVar contains an entry for this variant (Variation ID: 1517843). An algorithm developed to predict the effect of missense changes on protein structure and function (PolyPhen-2) suggests that this variant is likely to be tolerated. Algorithms developed to predict the effect of sequence changes on RNA splicing suggest that this variant may disrupt the consensus splice site. In summary, the available evidence is currently insufficient to determine the role of this variant in disease. Therefore, it has been classified as a Variant of Uncertain Significance.